The following is an entry in ClinVar:

NM_001330700.2(TOP2B):c.3742G>T (p.Ala1248Ser)

Gene: TOP2B (DNA topoisomerase II beta; minus strand). Cytogenetic location: 3p24.2.
Variant type: single nucleotide variant.
Coding change: c.3742G>T on transcript NM_001330700.2 (MANE Select); coding-DNA position 3742, G replaced by T.
Protein change: p.Ala1248Ser; replaces alanine 1248 with serine.
Molecular consequence: missense variant.
Genome position (GRCh38, 1-based): chr3:25,612,559, C>A on the plus strand (G>T on the coding strand, the complement: TOP2B is on the minus strand). VCF-style: chr3-25612559-C-A. GRCh37 (hg19) VCF-style: chr3-25654050-C-A.
Other names: c.3727G>T, p.Ala1243Ser (NM_001068.3); short protein forms A1248S, A1243S.
Identifiers: ClinVar variation 3685839 (VCV003685839.2).

ClinVar aggregate classification (germline): Uncertain significance (1 of 4 stars; one submission).

gnomAD v4.1: 9 of 1,612,314 alleles (0.00056%); highest among the groups gnomAD compares: Non-Finnish European, 0.00076%; no homozygotes.

Submission:

Labcorp Genetics (formerly Invitae), Labcorp
Classification: Uncertain significance. Last evaluated: 2024-02-20. Review status: criteria provided, single submitter. Criteria: Invitae Variant Classification Sherloc (09022015). Collection method: clinical testing. Allele origin: germline.
Comment: This sequence change replaces alanine, which is neutral and non-polar, with serine, which is neutral and polar, at codon 1243 of the TOP2B protein (p.Ala1243Ser). This variant is present in population databases (rs761832827, gnomAD 0.0009%). This variant has not been reported in the literature in individuals affected with TOP2B-related conditions. An algorithm developed to predict the effect of missense changes on protein structure and function (PolyPhen-2) suggests that this variant is likely to be tolerated. In summary, the available evidence is currently insufficient to determine the role of this variant in disease. Therefore, it has been classified as a Variant of Uncertain Significance.